The following is an entry in ClinVar:

NM_020911.2(PLXNA4):c.5593C>T (p.Leu1865Phe)

Gene: PLXNA4 (plexin A4; minus strand). Cytogenetic location: 7q32.3.
Variant type: single nucleotide variant.
Coding change: c.5593C>T on transcript NM_020911.2 (MANE Select); coding-DNA position 5593, C replaced by T.
Protein change: p.Leu1865Phe; replaces leucine 1865 with phenylalanine.
Molecular consequence: missense variant.
Genome position (GRCh38, 1-based): chr7:132,130,571, G>A on the plus strand (C>T on the coding strand, the complement: PLXNA4 is on the minus strand). VCF-style: chr7-132130571-G-A. GRCh37 (hg19) VCF-style: chr7-131815330-G-A.
Other names: c.5593C>T, p.Leu1865Phe (NM_001393897.1); short protein forms L1865F.
Identifiers: ClinVar variation 3349901 (VCV003349901.1).
Genomic context (GRCh38, chr7:132,130,571, plus strand): 5'-GTTCTAGTTTGTAGGCCAGTTTCTGCTTCCCACACTGGTCATCGTGGTCCAGAGGTCCAA[G>A]GATCTGCGGAAGGGCCAAGAACAGGGAGATTACTCATTTGTGTGTACAGGTCTGTGTTCT-3'
Protein context (NP_065962.1, residues 1855-1875): SYVGKYSEEI[Leu1865Phe]GPLDHDDQCG

ClinVar aggregate classification (germline): Uncertain significance (0 of 4 stars; one submission).

Conditions:
PLXNA4-related disorder. Also called: PLXNA4-related condition.

gnomAD v4.1: 1 of 1,614,112 alleles (0.000062%); highest among the groups gnomAD compares: African/African-American, 0.0013%; no homozygotes.

Submission:

PreventionGenetics, part of Exact Sciences
Classification: Uncertain significance for PLXNA4-related condition. Last evaluated: 2024-02-07. Review status: no assertion criteria provided. Collection method: clinical testing. Allele origin: germline.
Comment: The PLXNA4 c.5593C>T variant is predicted to result in the amino acid substitution p.Leu1865Phe. To our knowledge, this variant has not been reported in the literature or in a large population database, indicating this variant is rare. At this time, the clinical significance of this variant is uncertain due to the absence of conclusive functional and genetic evidence.